The following is an entry in ClinVar:

NM_004104.5(FASN):c.3947A>G (p.Asn1316Ser)

Gene: FASN (fatty acid synthase; minus strand). Cytogenetic location: 17q25.3.
Variant type: single nucleotide variant.
Coding change: c.3947A>G on transcript NM_004104.5 (MANE Select); coding-DNA position 3947, A replaced by G.
Protein change: p.Asn1316Ser; replaces asparagine 1316 with serine.
Molecular consequence: missense variant.
Genome position (GRCh38, 1-based): chr17:82,085,657, T>C on the plus strand (A>G on the coding strand, the complement: FASN is on the minus strand). VCF-style: chr17-82085657-T-C. GRCh37 (hg19) VCF-style: chr17-80043533-T-C.
Other names: short protein forms N1316S.
Identifiers: ClinVar variation 3640466 (VCV003640466.2).

ClinVar aggregate classification (germline): Uncertain significance (1 of 4 stars; one submission).

Conditions:
Epileptic encephalopathy. Identifiers: MedGen C0543888, HP:0200134.

gnomAD v4.1: 3 of 1,591,960 alleles (0.00019%); highest among the groups gnomAD compares: Non-Finnish European, 0.00026%; no homozygotes.

Submission:

Labcorp Genetics (formerly Invitae), Labcorp
Classification: Uncertain significance for Epileptic encephalopathy. Last evaluated: 2024-02-13. Review status: criteria provided, single submitter. Criteria: Invitae Variant Classification Sherloc (09022015). Collection method: clinical testing. Allele origin: germline.
Comment: This sequence change replaces asparagine, which is neutral and polar, with serine, which is neutral and polar, at codon 1316 of the FASN protein (p.Asn1316Ser). This variant is not present in population databases (gnomAD no frequency). This variant has not been reported in the literature in individuals affected with FASN-related conditions. Algorithms developed to predict the effect of missense changes on protein structure and function output the following: SIFT: "Not Available"; PolyPhen-2: "Benign"; Align-GVGD: "Not Available". The serine amino acid residue is found in multiple mammalian species, which suggests that this missense change does not adversely affect protein function. In summary, the available evidence is currently insufficient to determine the role of this variant in disease. Therefore, it has been classified as a Variant of Uncertain Significance.